The following is an entry in ClinVar:

NM_001009944.3(PKD1):c.11411+5G>C

Genes: PKD1 (polycystin 1, transient receptor potential channel interacting; minus strand), PKD1-AS1 (PKD1 antisense RNA 1; plus strand). Cytogenetic location: 16p13.3.
Variant type: single nucleotide variant.
Coding change: c.11411+5G>C on transcript NM_001009944.3 (MANE Select); 5 bases into the intron after coding-DNA position 11411, G replaced by C.
Molecular consequence: intron variant.
Genome position (GRCh38, 1-based): chr16:2,092,042, C>G on the plus strand (G>C on the coding strand, the complement: PKD1 is on the minus strand). VCF-style: chr16-2092042-C-G. GRCh37 (hg19) VCF-style: chr16-2142043-C-G.
Other names: c.11408+5G>C (NM_000296.4).
Identifiers: ClinVar variation 3347062 (VCV003347062.1).

ClinVar aggregate classification (germline): Uncertain significance (0 of 4 stars; one submission).

Conditions:
PKD1-related disorder. Also called: PKD1-related condition.

Submission:

PreventionGenetics, part of Exact Sciences
Classification: Uncertain significance for PKD1-related condition. Last evaluated: 2024-08-07. Review status: no assertion criteria provided. Collection method: clinical testing. Allele origin: germline.
Comment: The PKD1 c.11411+5G>C variant is predicted to interfere with splicing. This variant is predicted to nearly abolish the nearby normal splice donor site signal (Alamut Visual Plus v1.6.1; SpliceAI, Jaganathan et al. 2019. PubMed ID: 30661751). However, the use of computer prediction programs is not equivalent to functional evidence. To our knowledge, this variant has not been reported in the literature or in a large population database, indicating this variant is rare. Although we suspect that this variant may be pathogenic, at this time, the clinical significance of this variant is uncertain due to the absence of conclusive functional and genetic evidence.